The following is an entry in ClinVar:

NM_138295.5(PKD1L1):c.4020C>T (p.Ala1340=)

Gene: PKD1L1 (polycystin 1 like 1, transient receptor potential channel interacting; minus strand). Cytogenetic location: 7p12.3.
Variant type: single nucleotide variant.
Coding change: c.4020C>T on transcript NM_138295.5 (MANE Select); coding-DNA position 4020, C replaced by T.
Protein change: p.Ala1340=; no amino-acid change (alanine 1340 retained).
Molecular consequence: synonymous variant.
Genome position (GRCh38, 1-based): chr7:47,866,491, G>A on the plus strand (C>T on the coding strand, the complement: PKD1L1 is on the minus strand). VCF-style: chr7-47866491-G-A. GRCh37 (hg19) VCF-style: chr7-47906089-G-A.
Identifiers: ClinVar variation 3036585 (VCV003036585.3), dbSNP rs143678556, ClinGen allele CA4253240.

ClinVar aggregate classification (germline): Likely benign. Review status: criteria provided, single submitter (1 of 4 stars). 2 submissions from 2 submitters: Likely benign (1). 1 of the submissions does not count toward it. Last evaluated 2026-01-19.

Conditions:
PKD1L1-related disorder. Also called: PKD1L1-related condition.

Allele frequency attached by ClinVar (database versions not stated): gnomAD 0.00007; ESP Exome Variant Server 0.00008; ExAC 0.00009; TOPMed 0.00011; gnomAD exomes 0.00016.
gnomAD v4.1: 245 of 1,613,820 alleles (0.015%); highest among the groups gnomAD compares: Admixed American, 0.033%; no homozygotes.

Submissions (2):

Labcorp Genetics (formerly Invitae), Labcorp
Classification: Likely benign. Last evaluated: 2026-01-19. Review status: criteria provided, single submitter. Criteria: Invitae Variant Classification Sherloc (09022015). Collection method: clinical testing. Allele origin: germline.

PreventionGenetics, part of Exact Sciences
Classification: Likely benign for PKD1L1-related condition. Last evaluated: 2022-02-28. Review status: no assertion criteria provided. Collection method: clinical testing. Allele origin: germline. Not counted in ClinVar's aggregate classification.
Comment: This variant is classified as likely benign based on ACMG/AMP sequence variant interpretation guidelines (Richards et al. 2015 PMID: 25741868, with internal and published modifications).